The following is an entry in ClinVar:

ClinVar aggregate classification (germline): Likely pathogenic (1 of 4 stars; one submission).

Conditions:
Usher syndrome type 1 (USH1). Also called: RETINITIS PIGMENTOSA AND CONGENITAL DEAFNESS. Identifiers: Orphanet 231169, Orphanet 886, MedGen C1568247, MONDO:0010168, OMIM 276900.

Submission:

Natera, Inc.
Classification: Likely pathogenic for Usher syndrome type 1. Last evaluated: 2025-10-23. Review status: criteria provided, single submitter. Criteria: Natera Variant Classification Schema (03/2026). Collection method: clinical testing. Allele origin: germline.
Comment: The c.5712+2T>G variant in CDH23 is a canonical splice donor site variant predicted to affect pre-mRNA splicing, which may result in an abnormal transcript and altered protein product. This variant is expected to result in nonsense mediated decay, truncation, or a dysfunctional protein product. This variant is rare in the general population with a frequency below the threshold expected for the associated phenotype(s). Given the available evidence, this variant is classified as Likely Pathogenic.

NM_022124.6(CDH23):c.5712+2T>G

Gene: CDH23 (cadherin related 23; plus strand). Cytogenetic location: 10q22.1.
Variant type: single nucleotide variant.
Coding change: c.5712+2T>G on transcript NM_022124.6 (MANE Select); the canonical splice donor site of the intron after coding-DNA position 5712, T replaced by G.
Molecular consequence: splice donor variant.
Genome position (GRCh38, 1-based): chr10:71,785,102, T>G. VCF-style: chr10-71785102-T-G. GRCh37 (hg19) VCF-style: chr10-73544859-T-G.
Identifiers: ClinVar variation 4816085 (VCV004816085.1).
Genomic context (GRCh38, chr10:71,785,102, plus strand): 5'-GCCTCACCTTCAACATCACTGCGGGCAACCGCGAGCGGGCCTTCTTCATCAATGCCACGG[T>G]AGGGCCTAGACTGACCCCAGGGAGCTTCCCAGGGTTTCCAGTGAAAAAGAGGACCCTGCC-3'